The following is an entry in ClinVar:

ClinVar aggregate classification (germline): Uncertain significance. Review status: criteria provided, multiple submitters, no conflicts (2 of 4 stars). 5 submissions from 5 submitters: Uncertain significance (5). Last evaluated 2025-11-19.

Conditions:
Malignant hyperthermia, susceptibility to, 1 (MHS1). Also called: Anesthesia related hyperthermia; Malignant hyperpyrexia; Fulminating hyperpyrexia; Pharmacogenic myopathy; Malignant hyperthermia suceptibility 1; RYR1-Related Malignant Hyperthermia Susceptibility. Identifiers: Orphanet 423, MedGen C2930980, MONDO:0007783, OMIM 145600.
King Denborough syndrome (KDS). Identifiers: MedGen C1840365, MONDO:0020485, OMIM 619542.
Congenital myopathy with fiber type disproportion. Also called: Congenital fiber-type disproportion; Congenital fiber-type disproportion myopathy. Identifiers: Orphanet 2020, MedGen C0546264, MONDO:0009711. Inheritance: all.
Congenital multicore myopathy with external ophthalmoplegia (CMYO1B). Also called: MULTIMINICORE DISEASE WITH EXTERNAL OPHTHALMOPLEGIA; Congenital myopathy 1B, autosomal recessive; Minicore myopathy; MULTICORE MYOPATHY; Minicore myopathy with external ophthalmoplegia. Identifiers: Orphanet 598, Orphanet 98905, MedGen C1850674, MONDO:0009712, OMIM 255320, HP:0003789.
Central core myopathy (CMYO1A). Also called: Central core disease; Myopathy, central fibrillar; CONGENITAL MYOPATHY 1A, AUTOSOMAL DOMINANT, WITH SUSCEPTIBILITY TO MALIGNANT HYPERTHERMIA. Identifiers: Orphanet 597, MedGen C5830701, MONDO:0007294, OMIM 117000.
RYR1-related disorder. Also called: RYR1-related disorders; RYR1-related condition. Identifiers: MedGen CN239331.

Allele frequency attached by ClinVar (database versions not stated): TOPMed 0.00004; ESP Exome Variant Server 0.00008.
gnomAD v4.1: 59 of 1,613,802 alleles (0.0037%); highest among the groups gnomAD compares: African/African-American, 0.013%; no homozygotes.

Submissions (5):

PreventionGenetics, part of Exact Sciences
Classification: Uncertain significance for RYR1-related condition. Last evaluated: 2025-11-19. Review status: criteria provided, single submitter. Criteria: ACMG Guidelines, 2015. Collection method: clinical testing. Allele origin: germline.
Comment: The RYR1 c.10495C>T variant is predicted to result in the amino acid substitution p.Arg3499Trp. To our knowledge, this variant has not been reported in the literature. This variant is reported in 0.015% of alleles in individuals of East Asian descent in gnomAD. At this time, the clinical significance of this variant is uncertain due to the absence of conclusive functional and genetic evidence.

Blueprint Genetics
Classification: Uncertain significance. Last evaluated: 2024-10-08. Review status: criteria provided, single submitter. Criteria: ACMG Guidelines, 2015. Collection method: clinical testing. Allele origin: germline.

Color Diagnostics, LLC DBA Color Health
Classification: Uncertain significance for Malignant hyperthermia, susceptibility to, 1. Last evaluated: 2024-05-30. Review status: criteria provided, single submitter. Criteria: ACMG Guidelines, 2015. Collection method: clinical testing. Allele origin: germline.
Comment: This missense variant replaces arginine with tryptophan at codon 3499 of the RYR1 protein. Computational prediction is inconclusive regarding the impact of this variant on protein structure and function. To our knowledge, functional studies have not been reported for this variant. This variant has not been reported in individuals affected with RYR1-related disorders in the literature. This variant has been identified in 9/282554 chromosomes in the general population by the Genome Aggregation Database (gnomAD). The available evidence is insufficient to determine the role of this variant in disease conclusively. Therefore, this variant is classified as a Variant of Uncertain Significance.

Labcorp Genetics (formerly Invitae), Labcorp
Classification: Uncertain significance for RYR1-related disorder. Last evaluated: 2022-10-25. Review status: criteria provided, single submitter. Criteria: Invitae Variant Classification Sherloc (09022015). Collection method: clinical testing. Allele origin: germline.
Comment: This sequence change replaces arginine, which is basic and polar, with tryptophan, which is neutral and slightly polar, at codon 3499 of the RYR1 protein (p.Arg3499Trp). This variant is present in population databases (rs147058802, gnomAD 0.02%). This variant has not been reported in the literature in individuals affected with RYR1-related conditions. ClinVar contains an entry for this variant (Variation ID: 1467509). Advanced modeling of protein sequence and biophysical properties (such as structural, functional, and spatial information, amino acid conservation, physicochemical variation, residue mobility, and thermodynamic stability) performed at Invitae indicates that this missense variant is expected to disrupt RYR1 protein function. In summary, the available evidence is currently insufficient to determine the role of this variant in disease. Therefore, it has been classified as a Variant of Uncertain Significance.

Fulgent Genetics
Classification: Uncertain significance for Central core myopathy; Malignant hyperthermia, susceptibility to, 1; Congenital myopathy 4A, autosomal dominant; Congenital multicore myopathy with external ophthalmoplegia; King Denborough syndrome. Last evaluated: 2021-09-14. Review status: criteria provided, single submitter. Criteria: ACMG Guidelines, 2015. Collection method: clinical testing. Allele origin: unknown.

NM_000540.3(RYR1):c.10495C>T (p.Arg3499Trp)

Gene: RYR1 (ryanodine receptor 1; plus strand). Cytogenetic location: 19q13.2.
Variant type: single nucleotide variant.
Coding change: c.10495C>T on transcript NM_000540.3 (MANE Select); coding-DNA position 10495, C replaced by T.
Protein change: p.Arg3499Trp; replaces arginine 3499 with tryptophan.
Molecular consequence: missense variant.
Genome position (GRCh38, 1-based): chr19:38,525,371, C>T. VCF-style: chr19-38525371-C-T. GRCh37 (hg19) VCF-style: chr19-39016011-C-T.
Other names: c.10480C>T, p.Arg3494Trp (NM_001042723.2); c.10495C>T (NM_000540.2); short protein forms R3499W, R3494W.
Identifiers: ClinVar variation 1467509 (VCV001467509.9), dbSNP rs147058802, ClinGen allele CA053892.